The following is an entry in ClinVar:

NM_006372.5(SYNCRIP):c.852_854del (p.Lys284del)

Gene: SYNCRIP (synaptotagmin binding cytoplasmic RNA interacting protein; minus strand). Cytogenetic location: 6q14.3.
Variant type: Deletion.
Coding change: c.852_854del on transcript NM_006372.5 (MANE Select); coding-DNA positions 852 to 854, 3 bases deleted (AAA; older notation c.852_854delAAA).
Protein change: p.Lys284del; deletes lysine 284.
Molecular consequence: inframe deletion. On other transcripts: inframe indel (2).
Genome position (GRCh38, 1-based): chr6:85,622,636-85,622,638, TTT deleted on the plus strand (AAA on the coding strand, the reverse complement: SYNCRIP is on the minus strand); deleting any 3 consecutive bases within chr6:85,622,636-85,622,643 gives the same sequence; the c. name uses the placement nearest the transcript's 3' end. VCF-style (leftmost placement, unchanged base first): chr6-85622635-GTTT-G. GRCh37 (hg19) VCF-style: chr6-86332353-GTTT-G.
Other names: c.558_560del, p.Lys186del (NM_001159673.2, NM_001410938.1); c.852_854del, p.Lys284del (NM_001159674.2, NM_001159677.2); c.847_849delAAA, p.Lys284del (NM_001159675.2, NM_001159676.2); c.396_398del, p.Lys132del (NM_001253771.2); short protein forms K132del, K186del, K284del.
Identifiers: ClinVar variation 3323895 (VCV003323895.1).

ClinVar aggregate classification (germline): Uncertain significance (1 of 4 stars; one submission).

Conditions:
Inborn genetic diseases. Identifiers: MedGen C0950123, MeSH D030342.

Submission:

Ambry Genetics
Classification: Uncertain significance for Inborn genetic diseases. Last evaluated: 2024-04-16. Review status: criteria provided, single submitter. Criteria: Ambry Variant Classification Scheme 2023. Collection method: clinical testing. Allele origin: germline.
Comment: The c.852_854delAAA (p.K284del) alteration, located in exon 8 (coding exon 7) of the SYNCRIP gene, results from an in-frame AAA deletion at nucleotide positions c.852 to c.854. This results in the deletion of a lysine residue at codon p.284. This variant was not reported in population-based cohorts in the Genome Aggregation Database (gnomAD). This amino acid position is highly conserved in available vertebrate species. This alteration is predicted to be deleterious by in silico analysis (Choi, 2012). Based on insufficient or conflicting evidence, the clinical significance of this alteration remains unclear.